The following is an entry in ClinVar:

NM_001379029.1(CERT1):c.1686A>G (p.Pro562=)

Gene: CERT1 (ceramide transporter 1; minus strand). Cytogenetic location: 5q13.3.
Variant type: single nucleotide variant.
Coding change: c.1686A>G on transcript NM_001379029.1 (MANE Select); coding-DNA position 1686, A replaced by G.
Protein change: p.Pro562=; no amino-acid change (proline 562 retained).
Molecular consequence: synonymous variant.
Genome position (GRCh38, 1-based): chr5:75,381,133, T>C on the plus strand (A>G on the coding strand, the complement: CERT1 is on the minus strand). VCF-style: chr5-75381133-T-C. GRCh37 (hg19) VCF-style: chr5-74676958-T-C.
Other names: c.2070A>G, p.Pro690= (NM_001130105.1); c.1686A>G, p.Pro562= (NM_001379002.1, NM_005713.3); c.1608A>G, p.Pro536= (NM_001379003.1, NM_001379004.1, NM_031361.3).
Identifiers: ClinVar variation 2655536 (VCV002655536.24), dbSNP rs138391738, ClinGen allele CA3308955.

ClinVar aggregate classification (germline): Likely benign (1 of 4 stars; one submission).

Allele frequency attached by ClinVar (database versions not stated): gnomAD 0.00001; TOPMed 0.00001; ExAC 0.00002; ESP Exome Variant Server 0.00008.
gnomAD v4.1: 20 of 1,614,036 alleles (0.0012%); highest among the groups gnomAD compares: Non-Finnish European, 0.0015%; no homozygotes.

Submission:

CeGaT Center for Human Genetics Tuebingen
Classification: Likely benign. Last evaluated: 2023-02-01. Review status: criteria provided, single submitter. Criteria: CeGaT Center For Human Genetics Tuebingen Variant Classification Criteria Version 2. Collection method: clinical testing. Allele origin: germline. Affected: yes. Observed: 1 variant allele.
Comment: CERT1: BP4, BP7